The following is an entry in ClinVar:

ClinVar aggregate classification (germline): Uncertain significance (1 of 4 stars; one submission).

gnomAD v4.1: 3 of 1,592,312 alleles (0.00019%); highest among the groups gnomAD compares: East Asian, 0.0045%; no homozygotes.

Submission:

Women's Health and Genetics/Laboratory Corporation of America, LabCorp
Classification: Uncertain significance. Last evaluated: 2025-10-08. Review status: criteria provided, single submitter. Criteria: LabCorp Variant Classification Summary - May 2015. Collection method: clinical testing. Allele origin: germline.
Comment: Variant summary: CFTR c.489+6A>T alters a non-conserved nucleotide located close to a canonical splice site and therefore could affect mRNA splicing, leading to a significantly altered protein sequence. Consensus agreement among computation tools predict no significant impact on normal splicing. However, these predictions have yet to be confirmed by functional studies. The variant allele was found at a frequency of 8.3e-06 in 242356 control chromosomes. The available data on variant occurrences in the general population are insufficient to allow any conclusion about variant significance. To our knowledge, no occurrence of c.489+6A>T in individuals affected with CFTR-related conditions and no experimental evidence demonstrating its impact on protein function have been reported. No submitters have cited clinical-significance assessments for this variant to ClinVar. Based on the evidence outlined above, the variant was classified as uncertain significance.

NM_000492.4(CFTR):c.489+6A>T

Gene: CFTR (CF transmembrane conductance regulator; plus strand). Cytogenetic location: 7q31.2.
Variant type: single nucleotide variant.
Coding change: c.489+6A>T on transcript NM_000492.4 (MANE Select); 6 bases into the intron after coding-DNA position 489, A replaced by T.
Molecular consequence: intron variant.
Genome position (GRCh38, 1-based): chr7:117,531,120, A>T. VCF-style: chr7-117531120-A-T. GRCh37 (hg19) VCF-style: chr7-117171174-A-T.
Identifiers: ClinVar variation 4687463 (VCV004687463.1).
Genomic context (GRCh38, chr7:117,531,120, plus strand): 5'-TCATCACATTGGAATGCAGATGAGAATAGCTATGTTTAGTTTGATTTATAAGAAGGTAAT[A>T]CTTCCTTGCACAGGCCCCATGGCACATATATTCTGTATCGTACATGTTTTAATGTCATAA-3'